The following is an entry in ClinVar:

NM_001267550.2(TTN):c.14697C>T (p.Ser4899=)

Gene: TTN (titin; minus strand). Cytogenetic location: 2q31.2.
Variant type: single nucleotide variant.
Coding change: c.14697C>T on transcript NM_001267550.2 (MANE Select); coding-DNA position 14697, C replaced by T.
Protein change: p.Ser4899=; no amino-acid change (serine 4899 retained).
Molecular consequence: synonymous variant. On other transcripts: intron variant (3).
Genome position (GRCh38, 1-based): chr2:178,735,749, G>A on the plus strand (C>T on the coding strand, the complement: TTN is on the minus strand). VCF-style: chr2-178735749-G-A. GRCh37 (hg19) VCF-style: chr2-179600476-G-A.
Other names: c.13746C>T, p.Ser4582= (NM_001256850.1); c.10965C>T, p.Ser3655= (NM_133378.4); c.13282+2333C>T (NM_003319.4); c.13858+2333C>T (NM_133437.4); c.13657+2333C>T (NM_133432.3).
Identifiers: ClinVar variation 166225 (VCV000166225.69), dbSNP rs372740215, ClinGen allele CA178994.

ClinVar aggregate classification (germline): Conflicting classifications of pathogenicity. Review status: criteria provided, conflicting classifications (1 of 4 stars). 15 submissions from 11 submitters: Uncertain significance (3); Benign (2); Likely benign (8). 2 of the submissions do not count toward it. Last evaluated 2026-03-27.

Conditions:
TTN-related disorder. Also called: TTN-related disorders; TTN-related condition; TTN-related disease.
Dilated cardiomyopathy 1G (CMD1G). Identifiers: Orphanet 154, MedGen C1858763, MONDO:0011400, OMIM 604145.
Autosomal recessive limb-girdle muscular dystrophy type 2J (LGMDR10). Also called: Limb-girdle muscular dystrophy, type 2J; MUSCULAR DYSTROPHY, LIMB-GIRDLE, AUTOSOMAL RECESSIVE 10. Identifiers: Orphanet 140922, MedGen C1837342, MONDO:0012127, OMIM 608807.
Early-onset myopathy with fatal cardiomyopathy (CMYO5). Also called: CONGENITAL MYOPATHY 5 WITH CARDIOMYOPATHY; Salih Myopathy. Identifiers: Orphanet 289377, MedGen C2673677, MONDO:0012714, OMIM 611705. Disease mechanism: loss of function.
Tibial muscular dystrophy (TMD). Also called: UDD MYOPATHY; Tibial muscular dystrophy, tardive; Udd Distal Myopathy – Tibial Muscular Dystrophy. Identifiers: Orphanet 609, MedGen C1838244, MONDO:0010870, OMIM 600334.
Myopathy, myofibrillar, 9, with early respiratory failure (MFM9). Also called: Hereditary myopathy with early respiratory failure; MYOPATHY, PROXIMAL, WITH EARLY RESPIRATORY MUSCLE INVOLVEMENT; EDSTROM MYOPATHY; Myopathy, distal, with early respiratory failure, autosomal dominant. Identifiers: Orphanet 178464, Orphanet 34521, MedGen C1863599, MONDO:0011362, OMIM 603689.

Allele frequency attached by ClinVar (database versions not stated): TOPMed 0.00012; gnomAD exomes 0.00013 and 0.00020; ExAC 0.00026; ESP Exome Variant Server 0.00033; 1000 Genomes Project 30x 0.00062; 1000 Genomes Project 0.00080.
gnomAD v4.1: 205 of 1,613,662 alleles (0.013%); highest among the groups gnomAD compares: Middle Eastern, 0.033%; 1 homozygote.

Submissions (15):

Molecular Diagnostic Laboratory for Inherited Cardiovascular Disease, Montreal Heart Institute
Classification: Likely benign. Last evaluated: 2026-03-27. Review status: criteria provided, single submitter. Criteria: ACMG Guidelines, 2015. Collection method: clinical testing. Allele origin: germline. Affected: no.
Comment: BS1;BP7

Labcorp Genetics (formerly Invitae), Labcorp
Classification: Likely benign for Dilated cardiomyopathy 1G; Autosomal recessive limb-girdle muscular dystrophy type 2J. Last evaluated: 2026-01-27. Review status: criteria provided, single submitter. Criteria: Invitae Variant Classification Sherloc (09022015). Collection method: clinical testing. Allele origin: germline.

PreventionGenetics, part of Exact Sciences
Classification: Likely benign for TTN-related condition. Last evaluated: 2025-05-22. Review status: criteria provided, single submitter. Criteria: ACMG Guidelines, 2015. Collection method: clinical testing. Allele origin: germline.
Comment: This variant is classified as likely benign based on ACMG/AMP sequence variant interpretation guidelines (Richards et al. 2015 PMID: 25741868, with internal and published modifications).

CeGaT Center for Human Genetics Tuebingen
Classification: Likely benign. Last evaluated: 2024-11-01. Review status: criteria provided, single submitter. Criteria: CeGaT Center For Human Genetics Tuebingen Variant Classification Criteria Version 2. Collection method: clinical testing. Allele origin: germline. Affected: yes. Observed: 4 variant alleles.
Comment: TTN: BP4, BP7

Blueprint Genetics
Classification: Likely benign. Last evaluated: 2024-05-02. Review status: criteria provided, single submitter. Criteria: ACMG Guidelines, 2015. Collection method: clinical testing. Allele origin: germline.

ARUP Laboratories, Molecular Genetics and Genomics, ARUP Laboratories
Classification: Likely benign. Last evaluated: 2021-03-02. Review status: criteria provided, single submitter. Criteria: ARUP Molecular Germline Variant Investigation Process 2021. Collection method: clinical testing. Allele origin: germline.

GeneDx
Classification: Likely benign. Last evaluated: 2020-12-23. Review status: criteria provided, single submitter. Criteria: GeneDx Variant Classification Process June 2021. Collection method: clinical testing. Allele origin: germline. Affected: yes.

Illumina Laboratory Services, Illumina
Classification: Uncertain significance for Dilated cardiomyopathy 1G. Last evaluated: 2018-01-12. Review status: criteria provided, single submitter. Criteria: ICSL Variant Classification Criteria 13 December 2019. Collection method: clinical testing. Allele origin: germline.

Illumina Laboratory Services, Illumina
Classification: Uncertain significance for Early-onset myopathy with fatal cardiomyopathy. Last evaluated: 2018-01-12. Review status: criteria provided, single submitter. Criteria: ICSL Variant Classification Criteria 13 December 2019. Collection method: clinical testing. Allele origin: germline.

Illumina Laboratory Services, Illumina
Classification: Benign for Tibial muscular dystrophy. Last evaluated: 2018-01-12. Review status: criteria provided, single submitter. Criteria: ICSL Variant Classification Criteria 13 December 2019. Collection method: clinical testing. Allele origin: germline.
Comment: This variant was observed in the ICSL laboratory as part of a predisposition screen in an ostensibly healthy population. It had not been previously curated by ICSL or reported in the Human Gene Mutation Database (HGMD: prior to June 1st, 2018), and was therefore a candidate for classification through an automated scoring system. Utilizing variant allele frequency, disease prevalence and penetrance estimates, and inheritance mode, an automated score was calculated to assess if this variant is too frequent to cause the disease. Based on the score and internal cut-off values, a variant classified as benign is not then subjected to further curation. The score for this variant resulted in a classification of benign for this disease.

Illumina Laboratory Services, Illumina
Classification: Benign for Myopathy, myofibrillar, 9, with early respiratory failure. Last evaluated: 2018-01-12. Review status: criteria provided, single submitter. Criteria: ICSL Variant Classification Criteria 13 December 2019. Collection method: clinical testing. Allele origin: germline.
Comment: the same text as in the submission from Illumina Laboratory Services, Illumina above.

Illumina Laboratory Services, Illumina
Classification: Uncertain significance for Autosomal recessive limb-girdle muscular dystrophy type 2J. Last evaluated: 2018-01-12. Review status: criteria provided, single submitter. Criteria: ICSL Variant Classification Criteria 13 December 2019. Collection method: clinical testing. Allele origin: germline.

Laboratory for Molecular Medicine, Mass General Brigham Personalized Medicine
Classification: Likely benign. Last evaluated: 2012-03-19. Review status: criteria provided, single submitter. Criteria: LMM Criteria. Collection method: clinical testing. Allele origin: germline. Observed: 1 variant allele.
Comment: Ser3655Ser in exon 47 of TTN: This variant is not expected to have clinical sign ificance because it does not alter an amino acid residue and is not located with in the splice consensus sequence. It has been identified in 0.1% (4/6626) of Eur opean American chromosomes from a broad population by the NHLBI Exome Sequencing Project. Ser3655Ser in exon 47 of TTN (alle le frequency = 0.1%, 4/6626) **

Clinical Genetics, Academic Medical Center
Classification: Benign. Review status: no assertion criteria provided. Collection method: clinical testing. Allele origin: germline. Affected: yes. Study: VKGL Data-share Consensus. Not counted in ClinVar's aggregate classification.

Joint Genome Diagnostic Labs from Nijmegen and Maastricht, Radboudumc and MUMC+
Classification: Benign. Review status: no assertion criteria provided. Collection method: clinical testing. Allele origin: germline. Affected: yes. Study: VKGL Data-share Consensus. Not counted in ClinVar's aggregate classification.